The following is an entry in ClinVar:

NM_206933.4(USH2A):c.2139C>T (p.Gly713=)

Gene: USH2A (usherin; minus strand). Cytogenetic location: 1q41.
Variant type: single nucleotide variant.
Coding change: c.2139C>T on transcript NM_206933.4 (MANE Select); coding-DNA position 2139, C replaced by T.
Protein change: p.Gly713=; no amino-acid change (glycine 713 retained).
Molecular consequence: synonymous variant.
Genome position (GRCh38, 1-based): chr1:216,250,931, G>A on the plus strand (C>T on the coding strand, the complement: USH2A is on the minus strand). VCF-style: chr1-216250931-G-A. GRCh37 (hg19) VCF-style: chr1-216424273-G-A.
Other names: c.2139C>T, p.Gly713= (NM_007123.6).
Identifiers: ClinVar variation 236530 (VCV000236530.17), dbSNP rs765293412, ClinGen allele CA1396299.

ClinVar aggregate classification (germline): Pathogenic/Likely pathogenic. Review status: criteria provided, multiple submitters, no conflicts (2 of 4 stars). 7 submissions from 7 submitters: Pathogenic (2); Likely pathogenic (3). 2 of the submissions do not count toward it. Last evaluated 2026-03-11.

Conditions:
USH2A-related disorder. Also called: USH2A-related disorders; USH2A-related condition. Identifiers: MedGen CN239332.
Retinal dystrophy. Also called: Inherited retinal dystrophy. Identifiers: Orphanet 71862, MedGen C0854723, MeSH D058499, MONDO:0019118, HP:0000556.
Retinitis pigmentosa 39 (RP39). Identifiers: Orphanet 791, MedGen C3151138, MONDO:0013436, OMIM 613809.
Usher syndrome type 2A. Also called: USHER SYNDROME, TYPE IIA; RETINAL DISEASE IN USHER SYNDROME TYPE IIA, MODIFIER OF. Identifiers: Orphanet 231178, Orphanet 886, MedGen C1848634, MONDO:0010169, OMIM 276901.

Allele frequency attached by ClinVar (database versions not stated): ExAC 0.00001; gnomAD exomes 0.00001; TOPMed 0.00001.
gnomAD v4.1: 25 of 1,613,862 alleles (0.0015%); highest among the groups gnomAD compares: Non-Finnish European, 0.0019%; no homozygotes.

Submissions (7):

Myriad Genetics, Inc.
Classification: Likely pathogenic for USH2A-related disorder. Last evaluated: 2026-03-11. Review status: criteria provided, single submitter. Criteria: Myriad Autosomal Dominant, Autosomal Recessive and X-Linked Classification Criteria (2023). Collection method: clinical testing. Allele origin: unknown.
Comment: NM_206933.2(USH2A):c.2139C>T(aka G713=) is a silent variant classified as likely pathogenic in the context of USH2A-related disorders. G713= has been observed in cases with relevant disease (PMID: 27208204, 39120292, 38219857). Relevant functional assessments of this variant are available in the literature (PMID: 39120292). G713= has been observed in referenced population frequency databases. In summary, NM_206933.2(USH2A):c.2139C>T(aka G713=) is a silent variant that has functional support for pathogenicity and has been observed more frequently in cases with the relevant disease than in healthy populations. Please note: this variant was assessed in the context of healthy population screening.

GeneDx
Classification: Likely pathogenic. Last evaluated: 2026-02-18. Review status: criteria provided, single submitter. Criteria: GeneDx Variant Classification Process June 2021. Collection method: clinical testing. Allele origin: germline.
Comment: RNA studies demonstrate a damaging effect: splice studies show leaky splicing with minor aberrant transcripts that result in a partial in-frame loss of exon 12 (PMID: 39120292); In silico analysis supports a deleterious effect on splicing; Not observed at significant frequency in large population cohorts (gnomAD); This variant is associated with the following publications: (PMID: 32176120, 27208204, 31836858, 38219857, 39120292)

Labcorp Genetics (formerly Invitae), Labcorp
Classification: Pathogenic. Last evaluated: 2025-12-15. Review status: criteria provided, single submitter. Criteria: Invitae Variant Classification Sherloc (09022015). Collection method: clinical testing. Allele origin: germline.
Comment: This sequence change affects codon 713 of the USH2A mRNA. It is a 'silent' change, meaning that it does not change the encoded amino acid sequence of the USH2A protein. This variant is present in population databases (rs765293412, gnomAD 0.007%). This variant has been observed in individual(s) with clinical features of Usher syndrome and/or retinitis pigmentosa (PMID: 31836858; internal data). ClinVar contains an entry for this variant (Variation ID: 236530). Algorithms developed to predict the effect of sequence changes on RNA splicing suggest that this variant may disrupt the consensus splice site. For these reasons, this variant has been classified as Pathogenic.

Fulgent Genetics
Classification: Likely pathogenic for Usher syndrome type 2A; Retinitis pigmentosa 39. Last evaluated: 2024-01-12. Review status: criteria provided, single submitter. Criteria: ACMG Guidelines, 2015. Collection method: clinical testing. Allele origin: germline.

Blueprint Genetics
Classification: Pathogenic for USH2A-related disorders. Last evaluated: 2023-05-26. Review status: criteria provided, single submitter. Criteria: ACMG Guidelines, 2015. Collection method: clinical testing. Allele origin: germline. Affected: yes. Observed: 5 variant alleles.

Natera, Inc.
Classification: Likely pathogenic for Usher syndrome type 2A. Last evaluated: 2026-02-07. Review status: no assertion criteria provided. Collection method: clinical testing. Allele origin: germline. Not counted in ClinVar's aggregate classification.
Comment: The c.2139C>T variant in USH2A is a synonymous variant that does not alter the encoded amino acid at position 713 (p.G713=). This variant is rare in the general population with a frequency below the threshold expected for the associated phenotype(s). This variant has been observed in one or more individuals affected with the associated recessive disease, as either homozygous or compound heterozygous with a second variant (PMID: 32176120, 38219857, 39120292). Additionally, this variant has been observed to segregate in affected family members (PMID: 32176120, 39120292). Computational prediction algorithms indicate this variant is likely to affect gene or protein function. Given the available evidence, this variant is classified as Likely Pathogenic.

Centre for Genomic Medicine, Manchester, Central Manchester University Hospitals
Classification: Uncertain significance for Retinal dystrophy. Review status: flagged submission. Collection method: clinical testing. Allele origin: germline. Affected: yes. Not counted in ClinVar's aggregate classification.
ClinVar note: Reason: Older claim that does not account for recent evidence

Literature cited by the submitters: PubMed 27208204 (cited by Myriad Genetics, Inc.); PubMed 38219857 (cited by Myriad Genetics, Inc. and Natera, Inc.); PubMed 39120292 (cited by Myriad Genetics, Inc. and Natera, Inc.); PubMed 31836858 (cited by Labcorp Genetics (formerly Invitae), Labcorp); PubMed 32176120 (cited by Natera, Inc.).